The following is an entry in ClinVar:

ClinVar aggregate classification (germline): Uncertain significance (1 of 4 stars; one submission).

Conditions:
TMEM165-congenital disorder of glycosylation. Also called: TMEM165-CDG; CDG IIk; Congenital disorder of glycosylation type 2k. Identifiers: Orphanet 314667, MedGen C3553571, MONDO:0013870, OMIM 614727.

Submission:

Labcorp Genetics (formerly Invitae), Labcorp
Classification: Uncertain significance for TMEM165-congenital disorder of glycosylation. Last evaluated: 2021-08-11. Review status: criteria provided, single submitter. Criteria: Invitae Variant Classification Sherloc (09022015). Collection method: clinical testing. Allele origin: germline.
Comment: This variant has not been reported in the literature in individuals affected with TMEM165-related conditions. In summary, the available evidence is currently insufficient to determine the role of this variant in disease. Therefore, it has been classified as a Variant of Uncertain Significance. Algorithms developed to predict the effect of missense changes on protein structure and function are either unavailable or do not agree on the potential impact of this missense change (SIFT: "Deleterious"; PolyPhen-2: "Possibly Damaging"; Align-GVGD: "Class C0"). This variant is not present in population databases (ExAC no frequency). This sequence change replaces cysteine with tyrosine at codon 278 of the TMEM165 protein (p.Cys278Tyr). The cysteine residue is moderately conserved and there is a large physicochemical difference between cysteine and tyrosine.

NM_018475.5(TMEM165):c.833G>A (p.Cys278Tyr)

Gene: TMEM165 (transmembrane protein 165; plus strand). Cytogenetic location: 4q12.
Variant type: single nucleotide variant.
Coding change: c.833G>A on transcript NM_018475.5 (MANE Select); coding-DNA position 833, G replaced by A.
Protein change: p.Cys278Tyr; replaces cysteine 278 with tyrosine.
Molecular consequence: missense variant. On other transcripts: non-coding transcript variant (1).
Genome position (GRCh38, 1-based): chr4:55,424,578, G>A. VCF-style: chr4-55424578-G-A. GRCh37 (hg19) VCF-style: chr4-56290745-G-A.
Other names: short protein forms C278Y.
Identifiers: ClinVar variation 1374146 (VCV001374146.6), dbSNP rs2109566525, ClinGen allele CA356905148.